The following is an entry in ClinVar:

NM_001018115.3(FANCD2):c.2068G>A (p.Asp690Asn)

Genes: FANCD2 (FA complementation group D2; plus strand), LOC107303338 (3p25 FANCD2 Alu-mediated recombination region; plus strand). Cytogenetic location: 3p25.3.
Variant type: single nucleotide variant.
Coding change: c.2068G>A on transcript NM_001018115.3 (MANE Select); coding-DNA position 2068, G replaced by A.
Protein change: p.Asp690Asn; replaces aspartic acid 690 with asparagine.
Molecular consequence: missense variant.
Genome position (GRCh38, 1-based): chr3:10,064,775, G>A. VCF-style: chr3-10064775-G-A. GRCh37 (hg19) VCF-style: chr3-10106459-G-A.
Other names: c.2068G>A, p.Asp690Asn (NM_001319984.2, NM_001374254.1, NM_033084.6); c.1957G>A, p.Asp653Asn (NM_001374253.1); c.2068G>A (NM_001018115.2); short protein forms D690N, D653N.
Identifiers: ClinVar variation 565505 (VCV000565505.10), dbSNP rs534038231, ClinGen allele CA2249956.

ClinVar aggregate classification (germline): Conflicting classifications of pathogenicity. Review status: criteria provided, conflicting classifications (1 of 4 stars). 3 submissions from 3 submitters: Uncertain significance (2); Benign (1). Last evaluated 2024-12-05.

Conditions:
Fanconi anemia (FA). Also called: Fanconi's anemia. Identifiers: Orphanet 84, MedGen C0015625, MeSH D005199, MONDO:0019391.
Ovarian cancer. Also called: OVARIAN CANCER, SOMATIC. Identifiers: Orphanet 213500, MedGen C1140680, MONDO:0008170, OMIM 167000.
Fanconi anemia complementation group D2. Also called: FANCD2-Related Fanconi Anemia; FANCONI PANCYTOPENIA, TYPE 4; FANCONI ANEMIA, COMPLEMENTATION GROUP D. Identifiers: Orphanet 84, MedGen C3160738, MONDO:0009214, OMIM 227646.

Allele frequency attached by ClinVar (database versions not stated): gnomAD exomes 0.00002 and 0.00010; gnomAD 0.00005 and 0.00007; ExAC 0.00009; 1000 Genomes Project 30x 0.00047; 1000 Genomes Project 0.00060.
gnomAD v4.1: 35 of 1,614,064 alleles (0.0022%); highest among the groups gnomAD compares: East Asian, 0.065%; no homozygotes.

Submissions (3):

Labcorp Genetics (formerly Invitae), Labcorp
Classification: Uncertain significance for Fanconi anemia. Last evaluated: 2024-12-05. Review status: criteria provided, single submitter. Criteria: Invitae Variant Classification Sherloc (09022015). Collection method: clinical testing. Allele origin: germline.
Comment: This sequence change replaces aspartic acid, which is acidic and polar, with asparagine, which is neutral and polar, at codon 690 of the FANCD2 protein (p.Asp690Asn). The frequency data for this variant in the population databases is considered unreliable, as metrics indicate poor data quality at this position in the gnomAD database. This variant has not been reported in the literature in individuals affected with FANCD2-related conditions. ClinVar contains an entry for this variant (Variation ID: 565505). Invitae Evidence Modeling of protein sequence and biophysical properties (such as structural, functional, and spatial information, amino acid conservation, physicochemical variation, residue mobility, and thermodynamic stability) indicates that this missense variant is not expected to disrupt FANCD2 protein function with a negative predictive value of 80%. In summary, the available evidence is currently insufficient to determine the role of this variant in disease. Therefore, it has been classified as a Variant of Uncertain Significance.

Fulgent Genetics
Classification: Uncertain significance for Fanconi anemia complementation group D2. Last evaluated: 2022-04-29. Review status: criteria provided, single submitter. Criteria: ACMG Guidelines, 2015. Collection method: clinical testing. Allele origin: unknown.

Laboratory of Molecular Epidemiology of Birth Defects, West China Second University Hospital, Sichuan University
Classification: Benign for Ovarian cancer. Last evaluated: 2022-01-01. Review status: criteria provided, single submitter. Criteria: ACMG Guidelines, 2015. Collection method: clinical testing. Allele origin: germline. Affected: yes.